The following is an entry in ClinVar:

ClinVar aggregate classification (germline): Uncertain significance (1 of 4 stars; one submission).

Conditions:
Zellweger spectrum disorders (ZS). Also called: Zellweger Spectrum Disorder; Zellweger Spectrum; Zellweger syndrome; Zellweger Spectrum Disorder (ZSD). Identifiers: Orphanet 912, MedGen C0043459, MONDO:0019609.

gnomAD v4.1: 3 of 1,613,942 alleles (0.00019%); highest among the groups gnomAD compares: East Asian, 0.0022%; no homozygotes.

Submission:

Labcorp Genetics (formerly Invitae), Labcorp
Classification: Uncertain significance for Zellweger spectrum disorders. Last evaluated: 2022-02-04. Review status: criteria provided, single submitter. Criteria: Invitae Variant Classification Sherloc (09022015). Collection method: clinical testing. Allele origin: germline.
Comment: This sequence change replaces arginine, which is basic and polar, with glutamine, which is neutral and polar, at codon 790 of the PEX1 protein (p.Arg790Gln). This variant is present in population databases (rs777466377, gnomAD 0.0009%). This variant has not been reported in the literature in individuals affected with PEX1-related conditions. Algorithms developed to predict the effect of missense changes on protein structure and function are either unavailable or do not agree on the potential impact of this missense change (SIFT: "Deleterious"; PolyPhen-2: "Probably Damaging"; Align-GVGD: "Class C0"). In summary, the available evidence is currently insufficient to determine the role of this variant in disease. Therefore, it has been classified as a Variant of Uncertain Significance.

NM_000466.3(PEX1):c.2369G>A (p.Arg790Gln)

Gene: PEX1 (peroxisomal biogenesis factor 1; minus strand). Cytogenetic location: 7q21.2.
Variant type: single nucleotide variant.
Coding change: c.2369G>A on transcript NM_000466.3 (MANE Select); coding-DNA position 2369, G replaced by A.
Protein change: p.Arg790Gln; replaces arginine 790 with glutamine.
Molecular consequence: missense variant.
Genome position (GRCh38, 1-based): chr7:92,501,937, C>T on the plus strand (G>A on the coding strand, the complement: PEX1 is on the minus strand). VCF-style: chr7-92501937-C-T. GRCh37 (hg19) VCF-style: chr7-92131251-C-T.
Other names: c.2198G>A, p.Arg733Gln (NM_001282677.2); c.1745G>A, p.Arg582Gln (NM_001282678.2); short protein forms R790Q, R582Q, R733Q.
Identifiers: ClinVar variation 2146772 (VCV002146772.1), dbSNP rs777466377, ClinGen allele CA4341145.